The following is an entry in ClinVar:

NM_015631.6(TCTN3):c.1421C>A (p.Thr474Asn)

Gene: TCTN3 (tectonic family member 3; minus strand). Cytogenetic location: 10q24.1.
Variant type: single nucleotide variant.
Coding change: c.1421C>A on transcript NM_015631.6 (MANE Select); coding-DNA position 1421, C replaced by A.
Protein change: p.Thr474Asn; replaces threonine 474 with asparagine.
Molecular consequence: missense variant.
Genome position (GRCh38, 1-based): chr10:95,682,682, G>T on the plus strand (C>A on the coding strand, the complement: TCTN3 is on the minus strand). VCF-style: chr10-95682682-G-T. GRCh37 (hg19) VCF-style: chr10-97442439-G-T.
Other names: c.977C>A, p.Thr326Asn (NM_001143973.2); short protein forms T474N, T326N.
Identifiers: ClinVar variation 1430726 (VCV001430726.3), dbSNP rs1190331074, ClinGen allele CA377702277.

ClinVar aggregate classification (germline): Uncertain significance (1 of 4 stars; one submission).

Conditions:
Joubert syndrome 18 (JBTS18). Identifiers: Orphanet 2754, MedGen C3553758, MONDO:0013896, OMIM 614815.
Orofacial-digital syndrome IV (OFD4). Also called: Orofaciodigital syndrome IV; BARAITSER-BURN SYNDROME; MOHR-MAJEWSKI SYNDROME; OFD SYNDROME WITH TIBIAL DEFECTS; OFD SYNDROME, BARAITSER-BURN TYPE; OFDS IV. Identifiers: Orphanet 2753, MedGen C0406727, MONDO:0009794, OMIM 258860.

Allele frequency attached by ClinVar (database versions not stated): gnomAD exomes 0.00001; TOPMed 0.00001; gnomAD 0.00002.
gnomAD v4.1: 7 of 1,613,810 alleles (0.00043%); highest among the groups gnomAD compares: Non-Finnish European, 0.00059%; no homozygotes.

Submission:

Labcorp Genetics (formerly Invitae), Labcorp
Classification: Uncertain significance for Joubert syndrome 18; Orofacial-digital syndrome IV. Last evaluated: 2021-11-11. Review status: criteria provided, single submitter. Criteria: Invitae Variant Classification Sherloc (09022015). Collection method: clinical testing. Allele origin: germline.
Comment: This sequence change replaces threonine, which is neutral and polar, with asparagine, which is neutral and polar, at codon 474 of the TCTN3 protein (p.Thr474Asn). This variant is present in population databases (no rsID available, gnomAD 0.007%). This variant has not been reported in the literature in individuals affected with TCTN3-related conditions. Algorithms developed to predict the effect of missense changes on protein structure and function are either unavailable or do not agree on the potential impact of this missense change (SIFT: "Deleterious"; PolyPhen-2: "Benign"; Align-GVGD: "Class C0"). In summary, the available evidence is currently insufficient to determine the role of this variant in disease. Therefore, it has been classified as a Variant of Uncertain Significance.